The following is an entry in ClinVar:

ClinVar aggregate classification (germline): Likely benign (0 of 4 stars; one submission).

Conditions:
LEPR-related disorder. Also called: LEPR-related condition; LEPR-related disorders.

Submission:

PreventionGenetics, part of Exact Sciences
Classification: Likely benign for LEPR-related condition. Last evaluated: 2024-05-01. Review status: no assertion criteria provided. Collection method: clinical testing. Allele origin: germline.
Comment: This variant is classified as likely benign based on ACMG/AMP sequence variant interpretation guidelines (Richards et al. 2015 PMID: 25741868, with internal and published modifications).

NM_002303.6(LEPR):c.288T>C (p.Asp96=)

Gene: LEPR (leptin receptor; plus strand). Cytogenetic location: 1p31.3.
Variant type: single nucleotide variant.
Coding change: c.288T>C on transcript NM_002303.6 (MANE Select); coding-DNA position 288, T replaced by C.
Protein change: p.Asp96=; no amino-acid change (aspartic acid 96 retained).
Molecular consequence: synonymous variant.
Genome position (GRCh38, 1-based): chr1:65,570,720, T>C. VCF-style: chr1-65570720-T-C. GRCh37 (hg19) VCF-style: chr1-66036403-T-C.
Other names: c.288T>C, p.Asp96= (NM_001003679.3, NM_001003680.3, NM_001198687.2 and 2 more transcripts).
Identifiers: ClinVar variation 3347208 (VCV003347208.1).
Genomic context (GRCh38, chr1:65,570,720, plus strand): 5'-TACTCACTTTTCTAACTTATCCAAAACAACTTTCCACTGTTGCTTTCGGAGTGAGCAAGA[T>C]AGAAACTGCTCCTTATGTGCAGACAACATTGAAGGAAAGACATTTGTTTCAACAGTAAAT-3'
Protein context (NP_002294.2, residues 86-106): TFHCCFRSEQ[Asp96=]RNCSLCADNI